The following is an entry in ClinVar:

ClinVar aggregate classification (germline): Conflicting classifications of pathogenicity. Review status: criteria provided, conflicting classifications (1 of 4 stars). 11 submissions from 11 submitters: Uncertain significance (9); Likely benign (2). Last evaluated 2025-11-13.

Conditions:
BRCA2-related disorder. Also called: BRCA2-related condition; BRCA2-related disorders. Identifiers: MedGen CN239275.
Hereditary cancer-predisposing syndrome. Also called: Tumor predisposition; Hereditary Cancer Syndrome; Hereditary neoplastic syndrome; Neoplastic Syndromes, Hereditary. Identifiers: Orphanet 140162, MedGen C0027672, MeSH D009386, MONDO:0015356.
Hereditary breast ovarian cancer syndrome. Also called: Breast and ovarian cancer; Hereditary breast and ovarian cancer syndrome; Hereditary breast and ovarian cancer; BRCA1- and BRCA2-Associated Hereditary Breast and Ovarian Cancer; Hereditary breast and ovarian cancer syndrome (HBOC); Hereditary breast and/or ovarian cancer syndrome. Identifiers: Orphanet 145, MedGen C0677776, MeSH D061325, MONDO:0003582. Disease mechanism: loss of function.
Breast-ovarian cancer, familial, susceptibility to, 2 (BROVCA2). Also called: BRCA2 Hereditary Breast and Ovarian Cancer. Identifiers: Orphanet 145, MedGen C2675520, MONDO:0012933, OMIM 612555. Disease mechanism: loss of function.

Allele frequency attached by ClinVar (database versions not stated): gnomAD exomes below 0.00001; gnomAD 0.00005; TOPMed 0.00007.
gnomAD v4.1: 10 of 1,613,830 alleles (0.00062%); highest among the groups gnomAD compares: African/African-American, 0.011%; no homozygotes.

Submissions (11):

Labcorp Genetics (formerly Invitae), Labcorp
Classification: Uncertain significance for Hereditary breast ovarian cancer syndrome. Last evaluated: 2025-11-13. Review status: criteria provided, single submitter. Criteria: Invitae Variant Classification Sherloc (09022015). Collection method: clinical testing. Allele origin: germline.
Comment: This sequence change replaces alanine, which is neutral and non-polar, with valine, which is neutral and non-polar, at codon 565 of the BRCA2 protein (p.Ala565Val). This variant is not present in population databases (gnomAD no frequency). This missense change has been observed in individual(s) with breast cancer (PMID: 22034289). ClinVar contains an entry for this variant (Variation ID: 182186). Invitae Evidence Modeling of protein sequence and biophysical properties (such as structural, functional, and spatial information, amino acid conservation, physicochemical variation, residue mobility, and thermodynamic stability) indicates that this missense variant is not expected to disrupt BRCA2 protein function with a negative predictive value of 95%. In summary, the available evidence is currently insufficient to determine the role of this variant in disease. Therefore, it has been classified as a Variant of Uncertain Significance.

Color Diagnostics, LLC DBA Color Health
Classification: Likely benign for Hereditary cancer-predisposing syndrome. Last evaluated: 2025-09-04. Review status: criteria provided, single submitter. Criteria: ACMG Guidelines, 2015. Collection method: clinical testing. Allele origin: germline.

Quest Diagnostics Nichols Institute San Juan Capistrano
Classification: Uncertain significance. Last evaluated: 2024-12-17. Review status: criteria provided, single submitter. Criteria: Quest Diagnostics criteria. Collection method: clinical testing. Allele origin: unknown.
Comment: The BRCA2 c.1694C>T (p.Ala565Val) variant has been reported in the published literature in individuals with breast cancer (PMIDs: 22034289 (2012), 26287763 (2015), 39187384 (2024)), and described to be located in a region of the BRCA2 gene that is tolerant to missense sequence changes (PMID: 31911673 (2020)). The frequency of this variant in the general population (Genome Aggregation Database) is uninformative in the assessment of its pathogenicity. Analysis of this variant using bioinformatics tools for the prediction of the effect of amino acid changes on protein structure and function yielded predictions that this variant is benign. Based on the available information, we are unable to determine the clinical significance of this variant.

Ambry Genetics
Classification: Uncertain significance for Hereditary cancer-predisposing syndrome. Last evaluated: 2023-12-19. Review status: criteria provided, single submitter. Criteria: Ambry Variant Classification Scheme 2023. Collection method: clinical testing. Allele origin: germline.
Comment: The p.A565V variant (also known as c.1694C>T), located in coding exon 9 of the BRCA2 gene, results from a C to T substitution at nucleotide position 1694. The alanine at codon 565 is replaced by valine, an amino acid with similar properties. In one study, this alteration was reported in 1/434 Nigerian breast cancer patients unselected for age of onset or family history (Fackenthal JD et al. Int. J. Cancer 2012 Sep; 131(5):1114-23). This amino acid position is poorly conserved in available vertebrate species. In addition, this alteration is predicted to be tolerated by in silico analysis. Since supporting evidence is limited at this time, the clinical significance of this alteration remains unclear.

GeneDx
Classification: Uncertain significance. Last evaluated: 2023-06-22. Review status: criteria provided, single submitter. Criteria: GeneDx Variant Classification Process June 2021. Collection method: clinical testing. Allele origin: germline. Affected: yes.
Comment: Identified in individual(s) with breast cancer (Fackenthal et al., 2012; Pal et al., 2015); Not observed at significant frequency in large population cohorts (gnomAD); In silico analysis supports that this missense variant does not alter protein structure/function; Also known as 1922C>T; This variant is associated with the following publications: (PMID: 23891399, 29884841, 32377563, 22034289, 26287763, 31911673, 31853058)

All of Us Research Program, National Institutes of Health
Classification: Uncertain significance for Breast-ovarian cancer, familial, susceptibility to, 2. Last evaluated: 2023-05-16. Review status: criteria provided, single submitter. Criteria: ACMG Guidelines, 2015. Collection method: clinical testing. Allele origin: germline. Inheritance: Autosomal dominant inheritance. Observed: 2 variant alleles, 2 heterozygotes.
Comment: This missense variant replaces alanine with valine at codon 565 of the BRCA2 protein. Computational prediction suggests that this variant may not impact protein structure and function (internally defined REVEL score threshold <= 0.5, PMID: 27666373). Splice site prediction tools suggest that this variant may not impact RNA splicing. To our knowledge, functional studies have not been performed for this variant. This variant has been reported in an individual affected with breast cancer (PMID: 22034289). This variant has not been identified in the general population by the Genome Aggregation Database (gnomAD). The available evidence is insufficient to determine the role of this variant in disease conclusively. Therefore, this variant is classified as a Variant of Uncertain Significance.

This study involves interpretation of variants in research participants for the purpose of population health screening. Participant phenotype was not available at the time of variant classification. Additional details can be found in publication PMID: 35346344, PMCID: PMC8962531

University of Washington Department of Laboratory Medicine, University of Washington
Classification: Likely benign for Hereditary cancer-predisposing syndrome. Last evaluated: 2023-03-23. Review status: criteria provided, single submitter. Criteria: Dines et al. (Genet Med. 2020). Collection method: curation. Allele origin: germline.
Comment: Missense variant in a coldspot region where missense variants are very unlikely to be pathogenic (PMID:31911673).

BRCA2 exon 10 coldspot. Reclassification based on statistical prior probability.

PreventionGenetics, part of Exact Sciences
Classification: Uncertain significance for BRCA2-related condition. Last evaluated: 2022-08-31. Review status: criteria provided, single submitter. Criteria: ACMG Guidelines, 2015. Collection method: clinical testing. Allele origin: germline.
Comment: The BRCA2 c.1694C>T variant is predicted to result in the amino acid substitution p.Ala565Val. To our knowledge, this variant has not been reported in the literature or in a large population database, indicating this variant is rare. In ClinVar, this variant is interpreted as uncertain by multiple submitters. At this time, the clinical significance of this variant is uncertain due to the absence of conclusive functional and genetic evidence.

Sema4
Classification: Uncertain significance for Hereditary cancer-predisposing syndrome. Last evaluated: 2021-09-01. Review status: criteria provided, single submitter. Criteria: Sema4 Curation Guidelines. Collection method: curation. Allele origin: germline.
Comment: The BRCA2 c.1694C>T (p.A565V) variant has been reported in at least one individual with breast cancer (PMID: 22034289). It was not observed in the large and broad cohorts of the Genome Aggregation Database (PMID: 32461654). The variant has been reported in ClinVar (Variation ID 182186). Functional studies have not been performed and in silico predictions of the variant's effect on protein function are inconclusive. The evidence is insufficient to meet ACMG/AMP criteria for classifying the variant as benign or pathogenic. Thus, the clinical significance of this variant is currently uncertain.

Women's Health and Genetics/Laboratory Corporation of America, LabCorp
Classification: Uncertain significance. Last evaluated: 2021-08-07. Review status: criteria provided, single submitter. Criteria: LabCorp Variant Classification Summary - May 2015. Collection method: clinical testing. Allele origin: germline.
Comment: Variant summary: BRCA2 c.1694C>T (p.Ala565Val) results in a non-conservative amino acid change in the encoded protein sequence. Four of five in-silico tools predict a benign effect of the variant on protein function. The variant was absent in 251138 control chromosomes. The available data on variant occurrences in the general population are insufficient to allow any conclusion about variant significance. c.1694C>T has been reported in the literature in at-least two individuals of African origin who were affected with Breast Cancer (example, Fackenthal_2012, Pal_2015), however it was also found in 1/2559 African American women, who are older than 70 years of age, and never had cancer (FLOSSIES database). These report(s) do not provide unequivocal conclusions about association of the variant with Hereditary Breast And Ovarian Cancer Syndrome. To our knowledge, no experimental evidence demonstrating an impact on protein function has been reported. Five clinical diagnostic laboratories have submitted clinical-significance assessments for this variant to ClinVar after 2014 without evidence for independent evaluation. All laboratories classified the variant as uncertain significance. Based on the evidence outlined above, the variant was classified as uncertain significance.

Eurofins Ntd Llc (ga)
Classification: Uncertain significance. Last evaluated: 2014-12-15. Review status: criteria provided, single submitter. Criteria: EGL Classification Definitions 2015. Collection method: clinical testing. Allele origin: germline. Observed: 1 variant allele, 1 heterozygote.

Literature cited by the submitters: PubMed 22034289 (cited by 7 submitters); PubMed 26287763 (cited by Quest Diagnostics Nichols Institute San Juan Capistrano and Women's Health and Genetics/Laboratory Corporation of America, LabCorp); PubMed 31911673 (cited by Quest Diagnostics Nichols Institute San Juan Capistrano); PubMed 39187384 (cited by Quest Diagnostics Nichols Institute San Juan Capistrano).

NM_000059.4(BRCA2):c.1694C>T (p.Ala565Val)

Gene: BRCA2 (BRCA2 DNA repair associated; plus strand). Cytogenetic location: 13q13.1.
Variant type: single nucleotide variant.
Coding change: c.1694C>T on transcript NM_000059.4 (MANE Select); coding-DNA position 1694, C replaced by T.
Protein change: p.Ala565Val; replaces alanine 565 with valine.
Molecular consequence: missense variant.
Genome position (GRCh38, 1-based): chr13:32,333,172, C>T. VCF-style: chr13-32333172-C-T. GRCh37 (hg19) VCF-style: chr13-32907309-C-T.
Other names: p.A565V:GCC>GTC; short protein forms A565V.
Identifiers: ClinVar variation 182186 (VCV000182186.34), dbSNP rs55821741, ClinGen allele CA012916.